The following is an entry in ClinVar:

NM_033026.6(PCLO):c.10571T>G (p.Ile3524Arg)

Gene: PCLO (piccolo presynaptic cytomatrix protein; minus strand). Cytogenetic location: 7q21.11.
Variant type: single nucleotide variant.
Coding change: c.10571T>G on transcript NM_033026.6 (MANE Select); coding-DNA position 10571, T replaced by G.
Protein change: p.Ile3524Arg; replaces isoleucine 3524 with arginine.
Molecular consequence: missense variant.
Genome position (GRCh38, 1-based): chr7:82,950,017, A>C on the plus strand (T>G on the coding strand, the complement: PCLO is on the minus strand). VCF-style: chr7-82950017-A-C. GRCh37 (hg19) VCF-style: chr7-82579333-A-C.
Other names: c.10571T>G, p.Ile3524Arg (NM_014510.3); short protein forms I3524R.
Identifiers: ClinVar variation 1490320 (VCV001490320.8), dbSNP rs1201460595, ClinGen allele CA367902887.

ClinVar aggregate classification (germline): Uncertain significance (1 of 4 stars; one submission).

Allele frequency attached by ClinVar (database versions not stated): gnomAD exomes below 0.00001.
gnomAD v4.1: 4 of 1,613,120 alleles (0.00025%); highest among the groups gnomAD compares: Admixed American, 0.0017%; no homozygotes.

Submission:

Labcorp Genetics (formerly Invitae), Labcorp
Classification: Uncertain significance. Last evaluated: 2022-11-28. Review status: criteria provided, single submitter. Criteria: Invitae Variant Classification Sherloc (09022015). Collection method: clinical testing. Allele origin: germline.
Comment: In summary, the available evidence is currently insufficient to determine the role of this variant in disease. Therefore, it has been classified as a Variant of Uncertain Significance. Algorithms developed to predict the effect of missense changes on protein structure and function are either unavailable or do not agree on the potential impact of this missense change (SIFT: "Deleterious"; PolyPhen-2: "Not Available"; Align-GVGD: "Class C0"). ClinVar contains an entry for this variant (Variation ID: 1490320). This variant has not been reported in the literature in individuals affected with PCLO-related conditions. This variant is present in population databases (no rsID available, gnomAD 0.003%). This sequence change replaces isoleucine, which is neutral and non-polar, with arginine, which is basic and polar, at codon 3524 of the PCLO protein (p.Ile3524Arg).